The following is an entry in ClinVar:

NM_005228.5(EGFR):c.1938C>T (p.Ile646=)

Gene: EGFR (epidermal growth factor receptor; plus strand). Cytogenetic location: 7p11.2.
Variant type: single nucleotide variant.
Coding change: c.1938C>T on transcript NM_005228.5 (MANE Select); coding-DNA position 1938, C replaced by T.
Protein change: p.Ile646=; no amino-acid change (isoleucine 646 retained).
Molecular consequence: synonymous variant.
Genome position (GRCh38, 1-based): chr7:55,173,001, C>T. VCF-style: chr7-55173001-C-T. GRCh37 (hg19) VCF-style: chr7-55240694-C-T.
Other names: c.1803C>T, p.Ile601= (NM_001346897.2, NM_001346899.2); c.1938C>T, p.Ile646= (NM_001346898.2); c.1779C>T, p.Ile593= (NM_001346900.2); c.1137C>T, p.Ile379= (NM_001346941.2).
Identifiers: ClinVar variation 1105079 (VCV001105079.30), dbSNP rs760450694, ClinGen allele CA4265917.
Genomic context (GRCh38, chr7:55,173,001, plus strand): 5'-GTCAGCAACCTCACCCTTCCTTGTTCCTCCACCTCATTCCAGGCCTAAGATCCCGTCCAT[C>T]GCCACTGGGATGGTGGGGGCCCTCCTCTTGCTGCTGGTGGTGGCCCTGGGGATCGGCCTC-3'
Protein context (NP_005219.2, residues 636-656): CPTNGPKIPS[Ile646=]ATGMVGALLL

ClinVar aggregate classification (germline): Likely benign. Review status: criteria provided, multiple submitters, no conflicts (2 of 4 stars). 4 submissions from 4 submitters: Likely benign (4). Last evaluated 2026-01-25.

Conditions:
Hereditary cancer-predisposing syndrome. Also called: Neoplastic Syndromes, Hereditary; Tumor predisposition; Hereditary neoplastic syndrome; Hereditary Cancer Syndrome. Identifiers: Orphanet 140162, MedGen C0027672, MeSH D009386, MONDO:0015356.
EGFR-related lung cancer (EGFR). Identifiers: MedGen CN130014.

Allele frequency attached by ClinVar (database versions not stated): gnomAD exomes below 0.00001 and 0.00001; TOPMed below 0.00001; ExAC 0.00002.
gnomAD v4.1: 7 of 1,614,198 alleles (0.00043%); highest among the groups gnomAD compares: East Asian, 0.0022%; no homozygotes.

Submissions (4):

Labcorp Genetics (formerly Invitae), Labcorp
Classification: Likely benign for EGFR-related lung cancer. Last evaluated: 2026-01-25. Review status: criteria provided, single submitter. Criteria: Invitae Variant Classification Sherloc (09022015). Collection method: clinical testing. Allele origin: germline.

Ambry Genetics
Classification: Likely benign for Hereditary cancer-predisposing syndrome. Last evaluated: 2024-12-06. Review status: criteria provided, single submitter. Criteria: Ambry Variant Classification Scheme 2023. Collection method: clinical testing. Allele origin: germline.

CeGaT Center for Human Genetics Tuebingen
Classification: Likely benign. Last evaluated: 2024-05-01. Review status: criteria provided, single submitter. Criteria: CeGaT Center For Human Genetics Tuebingen Variant Classification Criteria Version 2. Collection method: clinical testing. Allele origin: germline. Affected: yes. Observed: 1 variant allele.
Comment: EGFR: BP4, BP7

Sema4
Classification: Likely benign for Hereditary cancer-predisposing syndrome. Last evaluated: 2021-12-28. Review status: criteria provided, single submitter. Criteria: Sema4 Curation Guidelines. Collection method: curation. Allele origin: germline.